The following is an entry in ClinVar:

NM_004369.4(COL6A3):c.7993G>T (p.Ala2665Ser)

Gene: COL6A3 (collagen type VI alpha 3 chain; minus strand). Cytogenetic location: 2q37.3.
Variant type: single nucleotide variant.
Coding change: c.7993G>T on transcript NM_004369.4 (MANE Select); coding-DNA position 7993, G replaced by T.
Protein change: p.Ala2665Ser; replaces alanine 2665 with serine.
Molecular consequence: missense variant.
Genome position (GRCh38, 1-based): chr2:237,340,923, C>A on the plus strand (G>T on the coding strand, the complement: COL6A3 is on the minus strand). VCF-style: chr2-237340923-C-A. GRCh37 (hg19) VCF-style: chr2-238249566-C-A.
Other names: c.7993G>T (NM_004369.3); c.6172G>T, p.Ala2058Ser (NM_057166.5); c.7375G>T, p.Ala2459Ser (NM_057167.4); short protein forms A2665S, A2459S, A2058S.
Identifiers: ClinVar variation 594438 (VCV000594438.7), dbSNP rs1559201034, ClinGen allele CA351196969.

ClinVar aggregate classification (germline): Uncertain significance. Review status: criteria provided, multiple submitters, no conflicts (2 of 4 stars). 3 submissions from 3 submitters: Uncertain significance (3). Last evaluated 2025-11-07.

Conditions:
Inborn genetic diseases. Identifiers: MedGen C0950123, MeSH D030342.
Bethlem myopathy 1A. Also called: Bethlem myopathy 1; MYOPATHY, BENIGN CONGENITAL, WITH CONTRACTURES; Bethlem Muscular Dystrophy. Identifiers: Orphanet 610, MedGen CN029274, MONDO:0024530, OMIM 158810.

Allele frequency attached by ClinVar (database versions not stated): gnomAD exomes below 0.00001.
gnomAD v4.1: 3 of 1,613,104 alleles (0.00019%); highest among the groups gnomAD compares: African/African-American, 0.004%; no homozygotes.

Submissions (3):

Labcorp Genetics (formerly Invitae), Labcorp
Classification: Uncertain significance for Bethlem myopathy 1A. Last evaluated: 2025-11-07. Review status: criteria provided, single submitter. Criteria: Invitae Variant Classification Sherloc (09022015). Collection method: clinical testing. Allele origin: germline.
Comment: This sequence change replaces alanine, which is neutral and non-polar, with serine, which is neutral and polar, at codon 2665 of the COL6A3 protein (p.Ala2665Ser). This variant is not present in population databases (gnomAD no frequency). This variant has not been reported in the literature in individuals affected with COL6A3-related conditions. ClinVar contains an entry for this variant (Variation ID: 594438). Invitae Evidence Modeling of protein sequence and biophysical properties (such as structural, functional, and spatial information, amino acid conservation, physicochemical variation, residue mobility, and thermodynamic stability) indicates that this missense variant is not expected to disrupt COL6A3 protein function with a negative predictive value of 80%. In summary, the available evidence is currently insufficient to determine the role of this variant in disease. Therefore, it has been classified as a Variant of Uncertain Significance.

Ambry Genetics
Classification: Uncertain significance for Inborn genetic diseases. Last evaluated: 2025-06-03. Review status: criteria provided, single submitter. Criteria: Ambry Variant Classification Scheme 2023. Collection method: clinical testing. Allele origin: germline.

Eurofins Ntd Llc (ga)
Classification: Uncertain significance. Last evaluated: 2017-10-10. Review status: criteria provided, single submitter. Criteria: EGL Classification Definitions 2015. Collection method: clinical testing. Allele origin: germline. Observed: 1 variant allele, 1 heterozygote.